The following is an entry in ClinVar:

NM_032043.3(BRIP1):c.627+5G>A

Gene: BRIP1 (BRCA1 interacting DNA helicase 1; minus strand). Cytogenetic location: 17q23.2.
Variant type: single nucleotide variant.
Coding change: c.627+5G>A on transcript NM_032043.3 (MANE Select); 5 bases into the intron after coding-DNA position 627, G replaced by A.
Molecular consequence: intron variant.
Genome position (GRCh38, 1-based): chr17:61,847,096, C>T on the plus strand (G>A on the coding strand, the complement: BRIP1 is on the minus strand). VCF-style: chr17-61847096-C-T. GRCh37 (hg19) VCF-style: chr17-59924457-C-T.
Identifiers: ClinVar variation 231653 (VCV000231653.34), dbSNP rs745727200, ClinGen allele CA8690897.

ClinVar aggregate classification (germline): Conflicting classifications of pathogenicity. Review status: criteria provided, conflicting classifications (1 of 4 stars). 8 submissions from 8 submitters: Likely pathogenic (2); Uncertain significance (5). 1 of the submissions does not count toward it. Last evaluated 2025-12-29.

Conditions:
BRIP1-related disorder. Also called: BRIP1-related condition; BRIP1-related disorders. Identifiers: MedGen CN239206.
Hereditary cancer-predisposing syndrome. Also called: Neoplastic Syndromes, Hereditary; Tumor predisposition; Hereditary Cancer Syndrome; Hereditary neoplastic syndrome. Identifiers: Orphanet 140162, MedGen C0027672, MeSH D009386, MONDO:0015356.
Fanconi anemia complementation group J. Also called: BRIP1-Related Fanconi Anemia. Identifiers: Orphanet 84, MedGen C1836860, MONDO:0012187, OMIM 609054.
Familial cancer of breast. Also called: hereditary breast carcinoma; BREAST CANCER, FAMILIAL; Hereditary breast cancer. Identifiers: Orphanet 227535, MedGen C0346153, MONDO:0016419, OMIM 114480. Disease mechanism: loss of function.

Allele frequency attached by ClinVar (database versions not stated): gnomAD exomes below 0.00001 and 0.00001; gnomAD 0.00001; TOPMed 0.00001; ExAC 0.00002.
gnomAD v4.1: 2 of 1,613,642 alleles (0.00012%); highest among the groups gnomAD compares: Non-Finnish European, 0.00017%; no homozygotes.

Submissions (8):

Center for Genomic Medicine, Rigshospitalet, Copenhagen University Hospital
Classification: Likely pathogenic. Last evaluated: 2025-12-29. Review status: criteria provided, single submitter. Criteria: ACMG Guidelines, 2015. Collection method: clinical testing. Allele origin: germline.

Color Diagnostics, LLC DBA Color Health
Classification: Uncertain significance for Hereditary cancer-predisposing syndrome. Last evaluated: 2025-07-29. Review status: criteria provided, single submitter. Criteria: ACMG Guidelines, 2015. Collection method: clinical testing. Allele origin: germline.
Comment: This variant causes a G to A nucleotide substitution at the +5 position of intron 6/19 of the BRIP1 gene. Splice site prediction tools predict that this variant may have a significant impact on RNA splicing. To our knowledge, functional studies have not been reported for this variant. This variant has not been reported in individuals affected with BRIP1-related disorders in the literature. This variant has been identified in 2/251286 chromosomes in the general population by the Genome Aggregation Database (gnomAD). The available evidence is insufficient to determine the role of this variant in disease conclusively. Therefore, this variant is classified as a Variant of Uncertain Significance.

PreventionGenetics, part of Exact Sciences
Classification: Uncertain significance for BRIP1-related condition. Last evaluated: 2025-07-28. Review status: criteria provided, single submitter. Criteria: ACMG Guidelines, 2015. Collection method: clinical testing. Allele origin: germline.
Comment: The BRIP1 c.627+5G>A variant is predicted to interfere with splicing. This variant is predicted to alter splicing based on available splicing prediction programs (SpliceAI, Jaganathan et al. 2019. PubMed ID: 30661751), however, such computer prediction programs are imperfect. To our knowledge, this variant has not been reported in the literature. This variant is reported in 0.0018% of alleles in individuals of European (Non-Finnish) descent in gnomAD and has conflicting interpretations of pathogenicity in ClinVar ranging from likely pathogenic to uncertain significance (Variation ID: 231653). At this time, the clinical significance of this variant is uncertain due to the absence of conclusive functional and genetic evidence.

Department of Clinical Genetics, Copenhagen University Hospital, Rigshospitalet
Classification: Likely pathogenic for Hereditary cancer-predisposing syndrome. Last evaluated: 2024-12-04. Review status: criteria provided, single submitter. Criteria: ACMG Guidelines, 2015. Collection method: clinical testing. Allele origin: germline. Affected: no.
Comment: The following ACMG criteria is used: PM2_Supporting (Reported twice in gnomAD v.2.1.1); PVS1 (RNA)

Labcorp Genetics (formerly Invitae), Labcorp
Classification: Uncertain significance for Familial cancer of breast; Fanconi anemia complementation group J. Last evaluated: 2024-11-24. Review status: criteria provided, single submitter. Criteria: Invitae Variant Classification Sherloc (09022015). Collection method: clinical testing. Allele origin: germline.
Comment: This sequence change falls in intron 6 of the BRIP1 gene. It does not directly change the encoded amino acid sequence of the BRIP1 protein. It affects a nucleotide within the consensus splice site. This variant is present in population databases (rs745727200, gnomAD 0.0009%). This variant has not been reported in the literature in individuals affected with BRIP1-related conditions. ClinVar contains an entry for this variant (Variation ID: 231653). Variants that disrupt the consensus splice site are a relatively common cause of aberrant splicing (PMID: 17576681, 9536098). Studies have shown that this variant is associated with inconclusive levels of altered splicing (internal data). In summary, the available evidence is currently insufficient to determine the role of this variant in disease. Therefore, it has been classified as a Variant of Uncertain Significance.

Ambry Genetics
Classification: Uncertain significance for Hereditary cancer-predisposing syndrome. Last evaluated: 2024-11-21. Review status: criteria provided, single submitter. Criteria: Ambry Variant Classification Scheme 2023. Collection method: clinical testing. Allele origin: germline.
Comment: The c.627+5G>A intronic variant results from a G to A substitution 5 nucleotides after coding exon 5 in the BRIP1 gene. This nucleotide position is highly conserved in available vertebrate species. In silico splice site analysis predicts that this alteration will weaken the native splice donor site; however, direct evidence is insufficient at this time (Ambry internal data). Since supporting evidence is limited at this time, the clinical significance of this alteration remains unclear.

Baylor Genetics
Classification: Uncertain significance for Familial cancer of breast. Last evaluated: 2024-01-04. Review status: criteria provided, single submitter. Criteria: ACMG Guidelines, 2015. Collection method: clinical testing. Allele origin: unknown.

Genetic Services Laboratory, University of Chicago
Classification: Uncertain significance. Last evaluated: 2022-11-22. Review status: no assertion criteria provided. Collection method: clinical testing. Allele origin: germline. Affected: no. Not counted in ClinVar's aggregate classification.
Comment: DNA sequence analysis of the BRIP1 gene demonstrated a sequence change in intron 6, c.627+5G>A. This change does not appear to have been previously described in individuals with BRIP1-related disorders. This sequence change has been described in the gnomAD database with a global frequency of 0.0008% (dbSNP rs745727200). Based on in-silico splice prediction programs, this sequence change is predicted to affect normal splicing of the BRIP1 gene, which could result in an abnormal protein, however functional studies have not been performed to prove this conclusively. The functional significance of this sequence change is not known at present and its contribution to this individual's disease phenotype cannot definitively be determined.

Literature cited by the submitters: PubMed 17576681 (cited by Labcorp Genetics (formerly Invitae), Labcorp); PubMed 9536098 (cited by Labcorp Genetics (formerly Invitae), Labcorp).